The following is an entry in ClinVar:

NM_007055.4(POLR3A):c.3503A>G (p.His1168Arg)

Gene: POLR3A (RNA polymerase III subunit A; minus strand). Cytogenetic location: 10q22.3.
Variant type: single nucleotide variant.
Coding change: c.3503A>G on transcript NM_007055.4 (MANE Select); coding-DNA position 3503, A replaced by G.
Protein change: p.His1168Arg; replaces histidine 1168 with arginine.
Molecular consequence: missense variant.
Genome position (GRCh38, 1-based): chr10:77,982,744, T>C on the plus strand (A>G on the coding strand, the complement: POLR3A is on the minus strand). VCF-style: chr10-77982744-T-C. GRCh37 (hg19) VCF-style: chr10-79742502-T-C.
Other names: short protein forms H1168R.
Identifiers: ClinVar variation 3257272 (VCV003257272.17).

ClinVar aggregate classification (germline): Uncertain significance (1 of 4 stars; one submission).

gnomAD v4.1: 22 of 1,613,816 alleles (0.0014%); highest among the groups gnomAD compares: South Asian, 0.02%; no homozygotes.

Submission:

CeGaT Center for Human Genetics Tuebingen
Classification: Uncertain significance. Last evaluated: 2024-07-01. Review status: criteria provided, single submitter. Criteria: CeGaT Center For Human Genetics Tuebingen Variant Classification Criteria Version 2. Collection method: clinical testing. Allele origin: germline. Affected: yes. Observed: 1 variant allele.
Comment: POLR3A: PM2